The following is an entry in ClinVar:

NM_001042492.3(NF1):c.8183C>A (p.Ala2728Asp)

Gene: NF1 (neurofibromin 1; plus strand). Cytogenetic location: 17q11.2.
Variant type: single nucleotide variant.
Coding change: c.8183C>A on transcript NM_001042492.3 (MANE Select); coding-DNA position 8183, C replaced by A.
Protein change: p.Ala2728Asp; replaces alanine 2728 with aspartic acid.
Molecular consequence: missense variant.
Genome position (GRCh38, 1-based): chr17:31,360,509, C>A. VCF-style: chr17-31360509-C-A. GRCh37 (hg19) VCF-style: chr17-29687527-C-A.
Other names: c.8120C>A, p.Ala2707Asp (NM_000267.4); short protein forms A2707D, A2728D.
Identifiers: ClinVar variation 3627710 (VCV003627710.2).

ClinVar aggregate classification (germline): Uncertain significance (1 of 4 stars; one submission).

Conditions:
Neurofibromatosis, type 1 (NF1). Also called: Peripheral type neurofibromatosis; NEUROFIBROMATOSIS, TYPE I, SOMATIC; VON RECKLINGHAUSEN DISEASE; Neurofibromatosis, type I. Identifiers: Orphanet 636, MedGen C0027831, MONDO:0018975, OMIM 162200. Disease mechanism: loss of function.

Submission:

Labcorp Genetics (formerly Invitae), Labcorp
Classification: Uncertain significance for Neurofibromatosis, type 1. Last evaluated: 2024-07-23. Review status: criteria provided, single submitter. Criteria: Invitae Variant Classification Sherloc (09022015). Collection method: clinical testing. Allele origin: germline.
Comment: This sequence change replaces alanine, which is neutral and non-polar, with aspartic acid, which is acidic and polar, at codon 2707 of the NF1 protein (p.Ala2707Asp). This variant is not present in population databases (gnomAD no frequency). This variant has not been reported in the literature in individuals affected with NF1-related conditions. Advanced modeling of protein sequence and biophysical properties (such as structural, functional, and spatial information, amino acid conservation, physicochemical variation, residue mobility, and thermodynamic stability) performed at Invitae indicates that this missense variant is expected to disrupt NF1 protein function with a positive predictive value of 95%. In summary, the available evidence is currently insufficient to determine the role of this variant in disease. Therefore, it has been classified as a Variant of Uncertain Significance.